The following is an entry in ClinVar:

ClinVar aggregate classification (germline): Uncertain significance. Review status: criteria provided, multiple submitters, no conflicts (2 of 4 stars). 3 submissions from 3 submitters: Uncertain significance (3). Last evaluated 2026-05-27.

Conditions:
Inborn genetic diseases. Identifiers: MedGen C0950123, MeSH D030342.

Allele frequency attached by ClinVar (database versions not stated): gnomAD 0.00004; gnomAD exomes 0.00002 and 0.00009; TOPMed 0.00002; ESP Exome Variant Server 0.00015; ExAC 0.00004.

Submissions (3):

Ambry Genetics
Classification: Uncertain significance for Inborn genetic diseases. Last evaluated: 2026-05-27. Review status: criteria provided, single submitter. Criteria: Ambry Variant Classification Scheme 2023. Collection method: clinical testing. Allele origin: germline.

Labcorp Genetics (formerly Invitae), Labcorp
Classification: Uncertain significance. Last evaluated: 2024-08-14. Review status: criteria provided, single submitter. Criteria: Invitae Variant Classification Sherloc (09022015). Collection method: clinical testing. Allele origin: germline.
Comment: This sequence change replaces methionine, which is neutral and non-polar, with valine, which is neutral and non-polar, at codon 102 of the RUNX2 protein (p.Met102Val). This variant is present in population databases (rs376849024, gnomAD 0.004%). This variant has not been reported in the literature in individuals affected with RUNX2-related conditions. ClinVar contains an entry for this variant (Variation ID: 993716). Invitae Evidence Modeling of protein sequence and biophysical properties (such as structural, functional, and spatial information, amino acid conservation, physicochemical variation, residue mobility, and thermodynamic stability) indicates that this missense variant is not expected to disrupt RUNX2 protein function with a negative predictive value of 80%. In summary, the available evidence is currently insufficient to determine the role of this variant in disease. Therefore, it has been classified as a Variant of Uncertain Significance.

ARUP Laboratories, Molecular Genetics and Genomics, ARUP Laboratories
Classification: Uncertain significance. Last evaluated: 2020-07-28. Review status: criteria provided, single submitter. Criteria: ARUP Molecular Germline Variant Investigation Process. Collection method: clinical testing. Allele origin: germline.
Comment: The RUNX2 c.304A>G; p.Met102Val variant (rs376849024), to our knowledge, is not reported in the medical literature or gene specific databases. This variant is only observed on six alleles in the Genome Aggregation Database, indicating it is not a common polymorphism. The methionine at codon 102 is moderately conserved, and computational analyses (SIFT, PolyPhen-2) predict that this variant is tolerated. Due to limited information, the clinical significance of the p.Met102Val variant is uncertain at this time.

NM_001024630.4(RUNX2):c.304A>G (p.Met102Val)

Gene: RUNX2 (RUNX family transcription factor 2; plus strand). Cytogenetic location: 6p21.1.
Variant type: single nucleotide variant.
Coding change: c.304A>G on transcript NM_001024630.4 (MANE Select); coding-DNA position 304, A replaced by G.
Protein change: p.Met102Val; replaces methionine 102 with valine.
Molecular consequence: missense variant.
Genome position (GRCh38, 1-based): chr6:45,422,838, A>G. VCF-style: chr6-45422838-A-G. GRCh37 (hg19) VCF-style: chr6-45390575-A-G.
Other names: c.262A>G, p.Met88Val (NM_001278478.2, NM_001369405.1); c.304A>G (NM_001024630.3); c.304A>G, p.Met102Val (NM_001015051.4); short protein forms M102V, M88V.
Identifiers: ClinVar variation 993716 (VCV000993716.18), dbSNP rs376849024, ClinGen allele CA3836370.